The following is an entry in ClinVar:

ClinVar aggregate classification (germline): Uncertain significance. Review status: criteria provided, multiple submitters, no conflicts (2 of 4 stars). 2 submissions from 2 submitters: Uncertain significance (2). Last evaluated 2025-09-26.

Conditions:
KIF5B-related condition.

Allele frequency attached by ClinVar (database versions not stated): TOPMed below 0.00001; gnomAD 0.00001.
gnomAD v4.1: 1 of 1,610,386 alleles (0.000062%); highest among the groups gnomAD compares: African/African-American, 0.0013%; no homozygotes.

Submissions (2):

PreventionGenetics, part of Exact Sciences
Classification: Uncertain significance for KIF5B-related condition. Last evaluated: 2025-09-26. Review status: criteria provided, single submitter. Criteria: ACMG Guidelines, 2015. Collection method: clinical testing. Allele origin: germline.
Comment: The KIF5B c.1766T>C variant is predicted to result in the amino acid substitution p.Val589Ala. To our knowledge, this variant has not been reported in the literature or in a large population database (gnomAD), indicating this variant is rare. At this time, the clinical significance of this variant is uncertain due to the absence of conclusive functional and genetic evidence.

Ambry Genetics
Classification: Uncertain significance. Last evaluated: 2022-05-27. Review status: criteria provided, single submitter. Criteria: Ambry Variant Classification Scheme 2023. Collection method: clinical testing. Allele origin: germline.

NM_004521.3(KIF5B):c.1766T>C (p.Val589Ala)

Gene: KIF5B (kinesin family member 5B; minus strand). Cytogenetic location: 10p11.22.
Variant type: single nucleotide variant.
Coding change: c.1766T>C on transcript NM_004521.3 (MANE Select); coding-DNA position 1766, T replaced by C.
Protein change: p.Val589Ala; replaces valine 589 with alanine.
Molecular consequence: missense variant.
Genome position (GRCh38, 1-based): chr10:32,022,996, A>G on the plus strand (T>C on the coding strand, the complement: KIF5B is on the minus strand). VCF-style: chr10-32022996-A-G. GRCh37 (hg19) VCF-style: chr10-32311924-A-G.
Other names: short protein forms V589A.
Identifiers: ClinVar variation 2292886 (VCV002292886.3), dbSNP rs1300170658, ClinGen allele CA376459605.